The following is an entry in ClinVar:

ClinVar aggregate classification (germline): Uncertain significance. Review status: criteria provided, multiple submitters, no conflicts (2 of 4 stars). 3 submissions from 3 submitters: Uncertain significance (3). Last evaluated 2025-08-20.

Conditions:
Inborn genetic diseases. Identifiers: MedGen C0950123, MeSH D030342.

Allele frequency attached by ClinVar (database versions not stated): gnomAD exomes 0.00002; ExAC 0.00007; ESP Exome Variant Server 0.00015; TOPMed 0.00019; 1000 Genomes Project 30x 0.00031; gnomAD 0.00033; 1000 Genomes Project 0.00040.
gnomAD v4.1: 82 of 1,612,556 alleles (0.0051%); highest among the groups gnomAD compares: African/African-American, 0.095%; no homozygotes.

Submissions (3):

Ambry Genetics
Classification: Uncertain significance for Inborn genetic diseases. Last evaluated: 2025-08-20. Review status: criteria provided, single submitter. Criteria: Ambry Variant Classification Scheme 2023. Collection method: clinical testing. Allele origin: germline.

Labcorp Genetics (formerly Invitae), Labcorp
Classification: Uncertain significance. Last evaluated: 2024-02-11. Review status: criteria provided, single submitter. Criteria: Invitae Variant Classification Sherloc (09022015). Collection method: clinical testing. Allele origin: germline.
Comment: This sequence change replaces alanine, which is neutral and non-polar, with valine, which is neutral and non-polar, at codon 873 of the DNAH9 protein (p.Ala873Val). This variant is present in population databases (rs202004703, gnomAD 0.07%). This missense change has been observed in individual(s) with clinical features of primary ciliary dyskinesia (Invitae). ClinVar contains an entry for this variant (Variation ID: 2085637). Algorithms developed to predict the effect of missense changes on protein structure and function output the following: SIFT: "Not Available"; PolyPhen-2: "Benign"; Align-GVGD: "Not Available". The valine amino acid residue is found in multiple mammalian species, which suggests that this missense change does not adversely affect protein function. In summary, the available evidence is currently insufficient to determine the role of this variant in disease. Therefore, it has been classified as a Variant of Uncertain Significance.

GeneDx
Classification: Uncertain significance. Last evaluated: 2023-08-28. Review status: criteria provided, single submitter. Criteria: GeneDx Variant Classification Process June 2021. Collection method: clinical testing. Allele origin: germline. Affected: yes.
Comment: In silico analysis supports that this missense variant has a deleterious effect on protein structure/function; Has not been previously published as pathogenic or benign to our knowledge

NM_001372.4(DNAH9):c.2618C>T (p.Ala873Val)

Gene: DNAH9 (dynein axonemal heavy chain 9; plus strand). Cytogenetic location: 17p12.
Variant type: single nucleotide variant.
Coding change: c.2618C>T on transcript NM_001372.4 (MANE Select); coding-DNA position 2618, C replaced by T.
Protein change: p.Ala873Val; replaces alanine 873 with valine.
Molecular consequence: missense variant.
Genome position (GRCh38, 1-based): chr17:11,664,855, C>T. VCF-style: chr17-11664855-C-T. GRCh37 (hg19) VCF-style: chr17-11568172-C-T.
Other names: c.2618C>T (NM_001372.3); short protein forms A873V.
Identifiers: ClinVar variation 2085637 (VCV002085637.4), dbSNP rs202004703, ClinGen allele CA8395233.
Genomic context (GRCh38, chr17:11,664,855, plus strand): 5'-TTAAACGAGGTTTATATCCTTTCTTCTTCCTTTTATAGGAAAACCTGGGTCTATTTTCAG[C>T]AGACCCAACCTCCAATATCTGGAAGACTTATGTTAACTCTATTGACAATTTGTTGCTGAA-3'
Protein context (NP_001363.2, residues 863-883): LVQENLGLFS[Ala873Val]DPTSNIWKTY